The following is an entry in ClinVar:

ClinVar aggregate classification (germline): Uncertain significance (1 of 4 stars; one submission).

Conditions:
POLD1-related polyposis and colorectal cancer syndrome (CRCS10). Also called: Colorectal cancer, susceptibility to, 10; Colorectal cancer 10; COLORECTAL CANCER, SUSCEPTIBILITY TO, ON CHROMOSOME 19q. Identifiers: Orphanet 220460, MedGen C2675481, MONDO:0012953, OMIM 612591.

Submission:

Labcorp Genetics (formerly Invitae), Labcorp
Classification: Uncertain significance for POLD1-related polyposis and colorectal cancer syndrome. Last evaluated: 2016-11-30. Review status: criteria provided, single submitter. Criteria: Invitae Variant Classification Sherloc (09022015). Collection method: clinical testing. Allele origin: germline.
Comment: This variant is a gross duplication of the genomic region encompassing exons 2-3 of the POLD1 gene, involving the first coding exon. The 5' end of this event is unknown as it extends beyond the assayed region for this gene and therefore may encompass additional genes. The 3' boundary is likely confined to intron 3 of the POLD1 gene. This variant has not been reported in the literature in individuals with a POLD1-related disease. In summary, the exact genomic location of this variant is unknown and the impact of this duplication on POLD1 protein function has not been established. Therefore, it has been classified as a Variant of Uncertain Significance.

NC_000019.9:g.(?_50902108)_(50902741_?)dup

Gene: POLD1 (DNA polymerase delta 1, catalytic subunit; plus strand). Cytogenetic location: 19q13.33.
Variant type: Duplication.
Identifiers: ClinVar variation 417420 (VCV000417420.1).